The following is an entry in ClinVar:

ClinVar aggregate classification (germline): Uncertain significance (1 of 4 stars; one submission).

Allele frequency attached by ClinVar (database versions not stated): gnomAD exomes 0.00001.
gnomAD v4.1: 9 of 1,350,736 alleles (0.00067%); highest among the groups gnomAD compares: Admixed American, 0.0082%; no homozygotes.

Submission:

Labcorp Genetics (formerly Invitae), Labcorp
Classification: Uncertain significance. Last evaluated: 2023-09-25. Review status: criteria provided, single submitter. Criteria: Invitae Variant Classification Sherloc (09022015). Collection method: clinical testing. Allele origin: germline.
Comment: This variant is not present in population databases (gnomAD no frequency). This sequence change replaces glycine, which is neutral and non-polar, with alanine, which is neutral and non-polar, at codon 84 of the CDK13 protein (p.Gly84Ala). This variant has not been reported in the literature in individuals affected with CDK13-related conditions. In summary, the available evidence is currently insufficient to determine the role of this variant in disease. Therefore, it has been classified as a Variant of Uncertain Significance. Advanced modeling of protein sequence and biophysical properties (such as structural, functional, and spatial information, amino acid conservation, physicochemical variation, residue mobility, and thermodynamic stability) performed at Invitae indicates that this missense variant is not expected to disrupt CDK13 protein function.

NM_003718.5(CDK13):c.251G>C (p.Gly84Ala)

Genes: CDK13 (cyclin dependent kinase 13; plus strand), LOC129998292 (ATAC-STARR-seq lymphoblastoid silent region 18115; plus strand). Cytogenetic location: 7p14.1.
Variant type: single nucleotide variant.
Coding change: c.251G>C on transcript NM_003718.5 (MANE Select); coding-DNA position 251, G replaced by C.
Protein change: p.Gly84Ala; replaces glycine 84 with alanine.
Molecular consequence: missense variant.
Genome position (GRCh38, 1-based): chr7:39,950,892, G>C. VCF-style: chr7-39950892-G-C. GRCh37 (hg19) VCF-style: chr7-39990491-G-C.
Other names: c.251G>C, p.Gly84Ala (NM_031267.4); short protein forms G84A.
Identifiers: ClinVar variation 2874821 (VCV002874821.3), dbSNP rs1787143212, ClinGen allele CA367309098.